The following is an entry in ClinVar:

NM_018206.6(VPS35):c.935G>A (p.Arg312His)

Gene: VPS35 (VPS35 retromer complex component; minus strand). Cytogenetic location: 16q11.2.
Variant type: single nucleotide variant.
Coding change: c.935G>A on transcript NM_018206.6 (MANE Select); coding-DNA position 935, G replaced by A.
Protein change: p.Arg312His; replaces arginine 312 with histidine.
Molecular consequence: missense variant.
Genome position (GRCh38, 1-based): chr16:46,674,640, C>T on the plus strand (G>A on the coding strand, the complement: VPS35 is on the minus strand). VCF-style: chr16-46674640-C-T. GRCh37 (hg19) VCF-style: chr16-46708552-C-T.
Other names: short protein forms R312H.
Identifiers: ClinVar variation 1804416 (VCV001804416.1), dbSNP rs759749769, ClinGen allele CA8036926.

ClinVar aggregate classification (germline): Uncertain significance (1 of 4 stars; one submission).

Allele frequency attached by ClinVar (database versions not stated): TOPMed below 0.00001; ExAC 0.00001; gnomAD 0.00001.
gnomAD v4.1: 10 of 1,608,482 alleles (0.00062%); highest among the groups gnomAD compares: Admixed American, 0.0017%; no homozygotes.

Submission:

GeneDx
Classification: Uncertain significance. Last evaluated: 2022-12-17. Review status: criteria provided, single submitter. Criteria: GeneDx Variant Classification Process June 2021. Collection method: clinical testing. Allele origin: germline. Affected: yes.
Comment: Not observed at significant frequency in large population cohorts (gnomAD); In silico analysis supports that this missense variant has a deleterious effect on protein structure/function; Has not been previously published as pathogenic or benign to our knowledge